The following is an entry in ClinVar:

NM_012243.3(SLC35A3):c.351T>G (p.Tyr117Ter)

Gene: SLC35A3 (solute carrier family 35 member A3; plus strand). Cytogenetic location: 1p21.2.
Variant type: single nucleotide variant.
Coding change: c.351T>G on transcript NM_012243.3 (MANE Select); coding-DNA position 351, T replaced by G.
Protein change: p.Tyr117Ter; replaces tyrosine 117 with a stop codon.
Molecular consequence: nonsense. On other transcripts: intron variant (3).
Genome position (GRCh38, 1-based): chr1:100,007,042, T>G. VCF-style: chr1-100007042-T-G. GRCh37 (hg19) VCF-style: chr1-100472598-T-G.
Other names: c.351T>G, p.Tyr117Ter (NM_001271684.2, NM_001438725.1, NM_001438728.1); c.477T>G, p.Tyr159Ter (NM_001271685.2); c.343-4323T>G (NM_001437717.1, NM_001437713.1, NM_001438729.1); short protein forms Y117*, Y159*.
Identifiers: ClinVar variation 4815556 (VCV004815556.1).
Genomic context (GRCh38, chr1:100,007,042, plus strand): 5'-AACAAACAAACAAACAAACGAACATTAATAATATTACTGTTTTCTTTTTCAGGTCACGTA[T>G]CAGTTAAAAATTCTTACAACAGCATTATTTTCTGTGTCTATGCTTAGTAAAAAATTGGGT-3'

ClinVar aggregate classification (germline): Likely pathogenic (1 of 4 stars; one submission).

Conditions:
Autism spectrum disorder - epilepsy - arthrogryposis syndrome (AMRS). Identifiers: Orphanet 370943, MedGen C3809910, MONDO:0014248, OMIM 615553.

gnomAD v4.1: 4 of 1,605,536 alleles (0.00025%); no homozygotes.

Submission:

Natera, Inc.
Classification: Likely pathogenic for Arthrogryposis, mental retardation, and seizures. Last evaluated: 2024-12-15. Review status: criteria provided, single submitter. Criteria: Natera Variant Classification Schema (03/2026). Collection method: clinical testing. Allele origin: germline.
Comment: The c.351T>G variant in SLC35A3 is a nonsense variant predicted to introduce a stop codon at amino acid 117. This variant is expected to result in nonsense mediated decay, truncation, or a dysfunctional protein product. This variant is rare in the general population with a frequency below the threshold expected for the associated phenotype(s). Given the available evidence, this variant is classified as Likely Pathogenic.